The following is an entry in ClinVar:

ClinVar aggregate classification (germline): Likely benign (1 of 4 stars; one submission).

gnomAD v4.1: 12 of 1,549,826 alleles (0.00077%); highest among the groups gnomAD compares: East Asian, 0.0023%; no homozygotes.

Submission:

CeGaT Center for Human Genetics Tuebingen
Classification: Likely benign. Last evaluated: 2023-02-01. Review status: criteria provided, single submitter. Criteria: CeGaT Center For Human Genetics Tuebingen Variant Classification Criteria Version 2. Collection method: clinical testing. Allele origin: germline. Affected: yes. Observed: 1 variant allele.
Comment: GLIS1: BP4, BP7

NM_001367484.1(GLIS1):c.741C>T (p.Pro247=)

Gene: GLIS1 (GLIS family zinc finger 1; minus strand). Cytogenetic location: 1p32.3.
Variant type: single nucleotide variant.
Coding change: c.741C>T on transcript NM_001367484.1 (MANE Select); coding-DNA position 741, C replaced by T.
Protein change: p.Pro247=; no amino-acid change (proline 247 retained).
Molecular consequence: synonymous variant.
Genome position (GRCh38, 1-based): chr1:53,594,687, G>A on the plus strand (C>T on the coding strand, the complement: GLIS1 is on the minus strand). VCF-style: chr1-53594687-G-A. GRCh37 (hg19) VCF-style: chr1-54060360-G-A.
Other names: c.741C>T, p.Pro247= (NM_001390836.1, NM_001390837.1, NM_001390838.1); c.216C>T, p.Pro72= (NM_147193.4).
Identifiers: ClinVar variation 2638826 (VCV002638826.24), dbSNP rs754092612, ClinGen allele CA418175883.